The following is an entry in ClinVar:

NM_002103.5(GYS1):c.1994A>G (p.Asn665Ser)

Gene: GYS1 (glycogen synthase 1; minus strand). Cytogenetic location: 19q13.33.
Variant type: single nucleotide variant.
Coding change: c.1994A>G on transcript NM_002103.5 (MANE Select); coding-DNA position 1994, A replaced by G.
Protein change: p.Asn665Ser; replaces asparagine 665 with serine.
Molecular consequence: missense variant. On other transcripts: non-coding transcript variant (1).
Genome position (GRCh38, 1-based): chr19:48,969,508, T>C on the plus strand (A>G on the coding strand, the complement: GYS1 is on the minus strand). VCF-style: chr19-48969508-T-C. GRCh37 (hg19) VCF-style: chr19-49472765-T-C.
Other names: c.1802A>G, p.Asn601Ser (NM_001161587.2); short protein forms N601S, N665S.
Identifiers: ClinVar variation 2061721 (VCV002061721.4), dbSNP rs1474628234, ClinGen allele CA406759440.
Genomic context (GRCh38, chr19:48,969,508, plus strand): 5'-CGGTCCTTGGCGGCCTCCTCGTCCTCATCGTAGCGCTCGCCGTCTTCCTCCAGCGGCCCG[T>C]TCCGGGGATCCTCCTCGTCCTCACTCTGGTGCGGGCTGGAGTGTCGTGACAGCGAGGGCG-3'
Protein context (NP_002094.2, residues 655-675): HQSEDEEDPR[Asn665Ser]GPLEEDGERY

ClinVar aggregate classification (germline): Uncertain significance (1 of 4 stars; one submission).

Conditions:
Glycogen storage disease due to muscle and heart glycogen synthase deficiency. Also called: GSD 0b; MUSCLE GLYCOGEN SYNTHASE DEFICIENCY. Identifiers: Orphanet 137625, MedGen C1969054, MONDO:0012693, OMIM 611556.

Allele frequency attached by ClinVar (database versions not stated): gnomAD 0.00001; gnomAD exomes 0.00001; TOPMed 0.00001.
gnomAD v4.1: 17 of 1,544,302 alleles (0.0011%); highest among the groups gnomAD compares: East Asian, 0.0024%; no homozygotes.

Submission:

Labcorp Genetics (formerly Invitae), Labcorp
Classification: Uncertain significance for Glycogen storage disease due to muscle and heart glycogen synthase deficiency. Last evaluated: 2022-02-25. Review status: criteria provided, single submitter. Criteria: Invitae Variant Classification Sherloc (09022015). Collection method: clinical testing. Allele origin: germline.
Comment: In summary, the available evidence is currently insufficient to determine the role of this variant in disease. Therefore, it has been classified as a Variant of Uncertain Significance. Algorithms developed to predict the effect of missense changes on protein structure and function (SIFT, PolyPhen-2, Align-GVGD) all suggest that this variant is likely to be tolerated. This variant has not been reported in the literature in individuals affected with GYS1-related conditions. This variant is present in population databases (no rsID available, gnomAD 0.06%). This sequence change replaces asparagine, which is neutral and polar, with serine, which is neutral and polar, at codon 665 of the GYS1 protein (p.Asn665Ser).